The following is an entry in ClinVar:

NM_001458.5(FLNC):c.7349C>A (p.Ala2450Asp)

Genes: FLNC (filamin C; plus strand), FLNC-AS1 (FLNC antisense RNA 1; minus strand). Cytogenetic location: 7q32.1.
Variant type: single nucleotide variant.
Coding change: c.7349C>A on transcript NM_001458.5 (MANE Select); coding-DNA position 7349, C replaced by A.
Protein change: p.Ala2450Asp; replaces alanine 2450 with aspartic acid.
Molecular consequence: missense variant.
Genome position (GRCh38, 1-based): chr7:128,856,615, C>A. VCF-style: chr7-128856615-C-A. GRCh37 (hg19) VCF-style: chr7-128496669-C-A.
Other names: c.7250C>A, p.Ala2417Asp (NM_001127487.2); short protein forms A2450D, A2417D.
Identifiers: ClinVar variation 936470 (VCV000936470.1), dbSNP rs1809071622, ClinGen allele CA369216910.

ClinVar aggregate classification (germline): Uncertain significance (1 of 4 stars; one submission).

Conditions:
Dilated Cardiomyopathy, Dominant.
Myofibrillar myopathy 5. Also called: Filaminopathy (type); FILAMINOPATHY, AUTOSOMAL DOMINANT. Identifiers: Orphanet 171445, MedGen C1836050, MONDO:0012289, OMIM 609524.
Hypertrophic cardiomyopathy 26. Also called: Cardiomyopathy, familial hypertrophic, 26. Identifiers: Orphanet 75249, MedGen C4310749, MONDO:0014883, OMIM 617047.
Distal myopathy with posterior leg and anterior hand involvement. Also called: WILLIAMS DISTAL MYOPATHY. Identifiers: Orphanet 63273, MedGen C3279722, MONDO:0013550, OMIM 614065.

Submission:

Labcorp Genetics (formerly Invitae), Labcorp
Classification: Uncertain significance for Myopathy, distal, 4; Dilated Cardiomyopathy, Dominant; Myofibrillar myopathy, filamin C-related; Cardiomyopathy, familial hypertrophic, 26. Last evaluated: 2019-06-25. Review status: criteria provided, single submitter. Criteria: Invitae Variant Classification Sherloc (09022015). Collection method: clinical testing. Allele origin: germline.
Comment: This sequence change replaces alanine with aspartic acid at codon 2450 of the FLNC protein (p.Ala2450Asp). The alanine residue is moderately conserved and there is a moderate physicochemical difference between alanine and aspartic acid. This variant is not present in population databases (ExAC no frequency). This variant has not been reported in the literature in individuals with FLNC-related conditions. Algorithms developed to predict the effect of missense changes on protein structure and function are either unavailable or do not agree on the potential impact of this missense change (SIFT: "Tolerated"; PolyPhen-2: "Possibly Damaging"; Align-GVGD: "Class C0"). In summary, the available evidence is currently insufficient to determine the role of this variant in disease. Therefore, it has been classified as a Variant of Uncertain Significance.